The following is an entry in ClinVar:

NM_000307.5(POU3F4):c.986G>C (p.Arg329Pro)

Gene: POU3F4 (POU class 3 homeobox 4; plus strand). Cytogenetic location: Xq21.1.
Variant type: single nucleotide variant.
Coding change: c.986G>C on transcript NM_000307.5 (MANE Select); coding-DNA position 986, G replaced by C.
Protein change: p.Arg329Pro; replaces arginine 329 with proline.
Molecular consequence: missense variant.
Genome position (GRCh38, 1-based): chrX:83,509,310, G>C. VCF-style: chrX-83509310-G-C. GRCh37 (hg19) VCF-style: chrX-82764318-G-C.
Other names: short protein forms R329P.
Identifiers: ClinVar variation 4685572 (VCV004685572.1).
Genomic context (GRCh38, chrX:83,509,310, plus strand): 5'-CCTCGCTGGCAGACAGCCTCCAGTTGGAGAAGGAAGTGGTGCGTGTCTGGTTCTGTAATC[G>C]AAGACAAAAAGAGAAAAGAATGACTCCGCCAGGGGATCAGCAGCCGCATGAGGTTTATTC-3'
Protein context (NP_000298.3, residues 319-339): KEVVRVWFCN[Arg329Pro]RQKEKRMTPP

ClinVar aggregate classification (germline): Likely pathogenic (1 of 4 stars; one submission).

Conditions:
Monogenic hearing loss.

Submission:

Genetics Laboratory, Great Ormond Street Hospital NHS Foundation Trust, North Thames Genomic Laboratory Hub
Classification: Likely pathogenic for Monogenic hearing loss. Last evaluated: 2025-11-18. Review status: criteria provided, single submitter. Criteria: ACGS Best Practice Guidelines for Variant Classification in Rare Disease 2024 v1.2. Collection method: clinical testing. Allele origin: germline. Affected: yes.
Comment: PM2_moderate, PP3_supporting, PM5_supporting, PP1_strong